The following is an entry in ClinVar:

NM_000441.2(SLC26A4):c.1409G>A (p.Arg470His)

Gene: SLC26A4 (solute carrier family 26 member 4; plus strand). Cytogenetic location: 7q22.3.
Variant type: single nucleotide variant.
Coding change: c.1409G>A on transcript NM_000441.2 (MANE Select); coding-DNA position 1409, G replaced by A.
Protein change: p.Arg470His; replaces arginine 470 with histidine.
Molecular consequence: missense variant.
Genome position (GRCh38, 1-based): chr7:107,694,688, G>A. VCF-style: chr7-107694688-G-A. GRCh37 (hg19) VCF-style: chr7-107335133-G-A.
Other names: short protein forms R470H.
Identifiers: ClinVar variation 550964 (VCV000550964.9), dbSNP rs200779286, ClinGen allele CA4432803.

ClinVar aggregate classification (germline): Uncertain significance. Review status: criteria provided, multiple submitters, no conflicts (2 of 4 stars). 4 submissions from 4 submitters: Uncertain significance (2). 2 of the submissions do not count toward it. Last evaluated 2026-05-06.

Conditions:
Autosomal recessive nonsyndromic hearing loss 4 (DFNB4). Also called: Enlarged vestibular aqueduct, digenic; Nonsyndromic enlarged vestibular aqueduct (NSEVA); Deafness, autosomal recessive 4, with enlarged vestibular aqueduct; Deafness, autosomal recessive 4; FOXI1-Related Pendred Syndrome; KCNJ10-Related Pendred Syndrome. Identifiers: Orphanet 90636, MedGen C3538946, MONDO:0010933, OMIM 600791.
Pendred syndrome (PDS). Also called: Pendred's syndrome; Pendred Syndrome (PDS); DEAFNESS WITH GOITER; GOITER-DEAFNESS SYNDROME; HYPOTHYROIDISM, CONGENITAL, DUE TO DYSHORMONOGENESIS, 2B; THYROID DYSHORMONOGENESIS 2B. Identifiers: Orphanet 705, MedGen C0271829, MONDO:0010134, OMIM 274600.
SLC26A4-related disorder. Also called: SLC26A4-related condition; SLC26A4-related disorders.

Allele frequency attached by ClinVar (database versions not stated): gnomAD exomes 0.00002 and 0.00004; gnomAD 0.00003; ExAC 0.00004; TOPMed 0.00004; 1000 Genomes Project 30x 0.00031; 1000 Genomes Project 0.00040.

Submissions (4):

PreventionGenetics, part of Exact Sciences
Classification: Uncertain significance for SLC26A4-related condition. Last evaluated: 2026-05-06. Review status: criteria provided, single submitter. Criteria: ACMG Guidelines, 2015. Collection method: clinical testing. Allele origin: germline.
Comment: The SLC26A4 c.1409G>A variant is predicted to result in the amino acid substitution p.Arg470His. This variant has been reported with other SLC26A4 variants in multiple individuals with hearing loss with and without inner ear malformations including enlarged vestibular aqueduct and Mondini dysplasia (Dai et al. 2008. PubMed ID: 19040761; Yuan et al. 2009. PubMed ID: 19744334; Table S2, Dahl et al. 2013. PubMed ID: 23555729; Liu et al. 2021. PubMed ID: 34628810; Zheng et al. 2022. PubMed ID: 36568381). In vitro experimental studies suggest this variant has wild-type-like anion transport activity with normal protein expression and membrane localization (Wasano et al. 2019. PubMed ID: 31599023). This variant is reported in 0.020% of alleles in individuals of Latino descent in gnomAD. At this time, the clinical significance of this variant is uncertain due to the absence of conclusive functional and genetic evidence.

Fulgent Genetics
Classification: Uncertain significance for Pendred syndrome; Autosomal recessive nonsyndromic hearing loss 4. Last evaluated: 2022-02-18. Review status: criteria provided, single submitter. Criteria: ACMG Guidelines, 2015. Collection method: clinical testing. Allele origin: unknown.

National Institute of Sensory Organs, National Hospital Organization Tokyo Medical Center
Classification: other for Autosomal recessive nonsyndromic hearing loss 4. Last evaluated: 2019-08-20. Review status: no assertion criteria provided. Collection method: literature only, in vitro. Allele origin: germline. Inheritance: Autosomal recessive inheritance. Affected: yes. Functional consequence: functionally_normal. Not counted in ClinVar's aggregate classification.
Comment: Benign effect in vitro experiment

Counsyl
Classification: Uncertain significance for Pendred syndrome. Last evaluated: 2017-03-24. Review status: no assertion criteria provided. Collection method: clinical testing. Allele origin: unknown. Not counted in ClinVar's aggregate classification.

Literature cited by the submitters: PubMed 19040761 (cited by National Institute of Sensory Organs, National Hospital Organization Tokyo Medical Center and Counsyl); PubMed 27771369 (cited by National Institute of Sensory Organs, National Hospital Organization Tokyo Medical Center and Counsyl); PubMed 31599023 (cited by National Institute of Sensory Organs, National Hospital Organization Tokyo Medical Center); PubMed 23555729 (cited by Counsyl).